The following is an entry in ClinVar:

NM_000260.4(MYO7A):c.2851G>A (p.Gly951Arg)

Gene: MYO7A (myosin VIIA; plus strand). Cytogenetic location: 11q13.5.
Variant type: single nucleotide variant.
Coding change: c.2851G>A on transcript NM_000260.4 (MANE Select); coding-DNA position 2851, G replaced by A.
Protein change: p.Gly951Arg; replaces glycine 951 with arginine.
Molecular consequence: missense variant.
Genome position (GRCh38, 1-based): chr11:77,181,536, G>A. VCF-style: chr11-77181536-G-A. GRCh37 (hg19) VCF-style: chr11-76892582-G-A.
Other names: c.2851G>A, p.Gly951Arg (NM_001127180.2); c.2818G>A, p.Gly940Arg (NM_001369365.1); short protein forms G940R, G951R.
Identifiers: ClinVar variation 4811659 (VCV004811659.1).

ClinVar aggregate classification (germline): Uncertain significance (1 of 4 stars; one submission).

gnomAD v4.1: 1 of 1,613,486 alleles (0.000062%); highest among the groups gnomAD compares: Non-Finnish European, 0.000085%; no homozygotes.

Submission:

Labcorp Genetics (formerly Invitae), Labcorp
Classification: Uncertain significance. Last evaluated: 2025-03-22. Review status: criteria provided, single submitter. Criteria: Invitae Variant Classification Sherloc (09022015). Collection method: clinical testing. Allele origin: germline.
Comment: This sequence change replaces glycine, which is neutral and non-polar, with arginine, which is basic and polar, at codon 951 of the MYO7A protein (p.Gly951Arg). This variant is not present in population databases (gnomAD no frequency). This variant has not been reported in the literature in individuals affected with MYO7A-related conditions. Invitae Evidence Modeling of protein sequence and biophysical properties (such as structural, functional, and spatial information, amino acid conservation, physicochemical variation, residue mobility, and thermodynamic stability) indicates that this missense variant is not expected to disrupt MYO7A protein function with a negative predictive value of 95%. In summary, the available evidence is currently insufficient to determine the role of this variant in disease. Therefore, it has been classified as a Variant of Uncertain Significance.